The following is an entry in ClinVar:

NM_153702.4(ELMOD2):c.701G>A (p.Gly234Asp)

Gene: ELMOD2 (ELMO domain containing 2; plus strand). Cytogenetic location: 4q31.1.
Variant type: single nucleotide variant.
Coding change: c.701G>A on transcript NM_153702.4 (MANE Select); coding-DNA position 701, G replaced by A.
Protein change: p.Gly234Asp; replaces glycine 234 with aspartic acid.
Molecular consequence: missense variant.
Genome position (GRCh38, 1-based): chr4:140,543,551, G>A. VCF-style: chr4-140543551-G-A. GRCh37 (hg19) VCF-style: chr4-141464705-G-A.
Other names: short protein forms G234D.
Identifiers: ClinVar variation 2635170 (VCV002635170.1), dbSNP rs1390336163, ClinGen allele CA358294302.

ClinVar aggregate classification (germline): Uncertain significance (1 of 4 stars; one submission).

Conditions:
ELMOD2-related disorder. Also called: ELMOD2-related condition.

Allele frequency attached by ClinVar (database versions not stated): TOPMed below 0.00001; gnomAD 0.00001.
gnomAD v4.1: 1 of 1,602,998 alleles (0.000062%); highest among the groups gnomAD compares: Non-Finnish European, 0.000085%; no homozygotes.

Submission:

PreventionGenetics, part of Exact Sciences
Classification: Uncertain significance for ELMOD2-related condition. Last evaluated: 2022-11-29. Review status: criteria provided, single submitter. Criteria: ACMG Guidelines, 2015. Collection method: clinical testing. Allele origin: germline.
Comment: The ELMOD2 c.701G>A variant is predicted to result in the amino acid substitution p.Gly234Asp. To our knowledge, this variant has not been reported in the literature. This variant is reported in 0.0065% of alleles in individuals of European (Non-Finnish) descent in gnomAD. At this time, the clinical significance of this variant is uncertain due to the absence of conclusive functional and genetic evidence.